The following is an entry in ClinVar:

ClinVar aggregate classification (germline): Uncertain significance (1 of 4 stars; one submission).

gnomAD v4.1: 45 of 1,613,924 alleles (0.0028%); highest among the groups gnomAD compares: Non-Finnish European, 0.0036%; no homozygotes.

Submission:

Labcorp Genetics (formerly Invitae), Labcorp
Classification: Uncertain significance. Last evaluated: 2025-10-04. Review status: criteria provided, single submitter. Criteria: Invitae Variant Classification Sherloc (09022015). Collection method: clinical testing. Allele origin: germline.
Comment: This sequence change replaces glycine, which is neutral and non-polar, with arginine, which is basic and polar, at codon 84 of the FMN1 protein (p.Gly84Arg). This variant is present in population databases (rs767156902, gnomAD 0.006%). This variant has not been reported in the literature in individuals affected with FMN1-related conditions. Experimental studies and prediction algorithms are not available or were not evaluated, and the functional significance of this variant is currently unknown. In summary, the available evidence is currently insufficient to determine the role of this variant in disease. Therefore, it has been classified as a Variant of Uncertain Significance.

NM_001277313.2(FMN1):c.2044-2561G>A

Gene: FMN1 (formin 1; minus strand). Cytogenetic location: 15q13.3.
Variant type: single nucleotide variant.
Coding change: c.2044-2561G>A on transcript NM_001277313.2 (MANE Select); 2561 bases into the intron before coding-DNA position 2044, G replaced by A.
Molecular consequence: intron variant. On other transcripts: missense variant (1).
Genome position (GRCh38, 1-based): chr15:33,067,635, C>T on the plus strand (G>A on the coding strand, the complement: FMN1 is on the minus strand). VCF-style: chr15-33067635-C-T. GRCh37 (hg19) VCF-style: chr15-33359836-C-T.
Other names: c.250G>A, p.Gly84Arg (NM_001103184.4); short protein forms G84R.
Identifiers: ClinVar variation 4754463 (VCV004754463.1).